The following is an entry in ClinVar:

NM_006231.4(POLE):c.4952+1G>A

Gene: POLE (DNA polymerase epsilon, catalytic subunit; minus strand). Cytogenetic location: 12q24.33.
Variant type: single nucleotide variant.
Coding change: c.4952+1G>A on transcript NM_006231.4 (MANE Select); the canonical splice donor site of the intron after coding-DNA position 4952, G replaced by A.
Molecular consequence: splice donor variant.
Genome position (GRCh38, 1-based): chr12:132,642,505, C>T on the plus strand (G>A on the coding strand, the complement: POLE is on the minus strand). VCF-style: chr12-132642505-C-T. GRCh37 (hg19) VCF-style: chr12-133219091-C-T.
Identifiers: ClinVar variation 2139308 (VCV002139308.4), dbSNP rs2138533307, ClinGen allele CA387377797.

ClinVar aggregate classification (germline): Likely pathogenic (1 of 4 stars; one submission).

Submission:

Labcorp Genetics (formerly Invitae), Labcorp
Classification: Likely pathogenic. Last evaluated: 2022-10-01. Review status: criteria provided, single submitter. Criteria: Invitae Variant Classification Sherloc (09022015). Collection method: clinical testing. Allele origin: germline.
Comment: This variant has not been reported in the literature in individuals affected with POLE-related conditions. This variant is not present in population databases (gnomAD no frequency). This sequence change affects a donor splice site in intron 37 of the POLE gene. It is expected to disrupt RNA splicing. Variants that disrupt the donor or acceptor splice site typically lead to a loss of protein function (PMID: 16199547), and loss-of-function variants in POLE are known to be pathogenic (PMID: 23230001, 25948378, 30503519). In summary, the currently available evidence indicates that the variant is pathogenic, but additional data are needed to prove that conclusively. Therefore, this variant has been classified as Likely Pathogenic. Algorithms developed to predict the effect of sequence changes on RNA splicing suggest that this variant may disrupt the consensus splice site.

Literature cited by the submitters: PubMed 16199547; PubMed 23230001; PubMed 25948378; PubMed 30503519.